The following is an entry in ClinVar:

NM_001358530.2(MOCS1):c.1889G>C (p.Arg630Pro)

Gene: MOCS1 (molybdenum cofactor synthesis 1; minus strand). Cytogenetic location: 6p21.2.
Variant type: single nucleotide variant.
Coding change: c.1889G>C on transcript NM_001358530.2 (MANE Select); coding-DNA position 1889, G replaced by C.
Protein change: p.Arg630Pro; replaces arginine 630 with proline.
Molecular consequence: missense variant. On other transcripts: 3 prime UTR variant (4), non-coding transcript variant (1).
Genome position (GRCh38, 1-based): chr6:39,906,379, C>G on the plus strand (G>C on the coding strand, the complement: MOCS1 is on the minus strand). VCF-style: chr6-39906379-C-G. GRCh37 (hg19) VCF-style: chr6-39874155-C-G.
Other names: c.*746G>C (NM_001075098.4, NM_001358533.2, NM_001358534.2 and 1 more transcripts); c.1841G>C, p.Arg614Pro (NM_001358529.2); c.1628G>C, p.Arg543Pro (NM_001358531.2); short protein forms R543P, R614P, R630P.
Identifiers: ClinVar variation 1711627 (VCV001711627.32), dbSNP rs375813466, ClinGen allele CA3795865.

ClinVar aggregate classification (germline): Uncertain significance. Review status: criteria provided, multiple submitters, no conflicts (2 of 4 stars). 2 submissions from 2 submitters: Uncertain significance (2). Last evaluated 2022-09-01.

Conditions:
Sulfite oxidase deficiency due to molybdenum cofactor deficiency type A. Also called: Molybdenum cofactor deficiency, complementation group A; Molybdenum Cofactor Deficiency A. Identifiers: Orphanet 308386, Orphanet 833, MedGen C1854988, MONDO:0009643, OMIM 252150.

gnomAD v4.1: 24 of 1,596,288 alleles (0.0015%); highest among the groups gnomAD compares: South Asian, 0.0067%; no homozygotes.

Submissions (2):

CeGaT Center for Human Genetics Tuebingen
Classification: Uncertain significance. Last evaluated: 2022-09-01. Review status: criteria provided, single submitter. Criteria: CeGaT Center For Human Genetics Tuebingen Variant Classification Criteria Version 2. Collection method: clinical testing. Allele origin: germline. Affected: yes. Observed: 1 variant allele.

Labcorp Genetics (formerly Invitae), Labcorp
Classification: Uncertain significance for Sulfite oxidase deficiency due to molybdenum cofactor deficiency type A. Last evaluated: 2022-08-23. Review status: criteria provided, single submitter. Criteria: Invitae Variant Classification Sherloc (09022015). Collection method: clinical testing. Allele origin: germline.
Comment: This sequence change replaces arginine, which is basic and polar, with proline, which is neutral and non-polar, at codon 630 of the MOCS1 protein (p.Arg630Pro). This variant is present in population databases (rs375813466, gnomAD 0.01%). This variant has not been reported in the literature in individuals affected with MOCS1-related conditions. Algorithms developed to predict the effect of missense changes on protein structure and function are either unavailable or do not agree on the potential impact of this missense change (SIFT: "Not Available"; PolyPhen-2: "Possibly Damaging"; Align-GVGD: "Not Available"). In summary, the available evidence is currently insufficient to determine the role of this variant in disease. Therefore, it has been classified as a Variant of Uncertain Significance.